The following is an entry in ClinVar:

ClinVar aggregate classification (germline): Uncertain significance (1 of 4 stars; one submission).

Conditions:
Cardiovascular phenotype. Identifiers: MedGen CN230736.

Submission:

Ambry Genetics
Classification: Uncertain significance for Cardiovascular phenotype. Last evaluated: 2023-12-08. Review status: criteria provided, single submitter. Criteria: Ambry Variant Classification Scheme 2023. Collection method: clinical testing. Allele origin: germline.
Comment: The p.N615S variant (also known as c.1844A>G), located in coding exon 19 of the EYA4 gene, results from an A to G substitution at nucleotide position 1844. The asparagine at codon 615 is replaced by serine, an amino acid with highly similar properties. This amino acid position is conserved. In addition, the in silico prediction for this alteration is inconclusive. Since supporting evidence is limited at this time, the clinical significance of this alteration remains unclear.

NM_004100.5(EYA4):c.1844A>G (p.Asn615Ser)

Genes: TARID (TCF21 antisense RNA inducing promoter demethylation; minus strand), EYA4 (EYA transcriptional coactivator and phosphatase 4; plus strand). Cytogenetic location: 6q23.2.
Variant type: single nucleotide variant.
Coding change: c.1844A>G on transcript NM_004100.5 (MANE Select); coding-DNA position 1844, A replaced by G.
Protein change: p.Asn615Ser; replaces asparagine 615 with serine.
Molecular consequence: missense variant.
Genome position (GRCh38, 1-based): chr6:133,528,729, A>G. VCF-style: chr6-133528729-A-G. GRCh37 (hg19) VCF-style: chr6-133849867-A-G.
Other names: c.1682A>G, p.Asn561Ser (NM_001301012.2); c.1862A>G, p.Asn621Ser (NM_001301013.2); c.1775A>G, p.Asn592Ser (NM_001370458.1, NM_172103.4); c.1700A>G, p.Asn567Ser (NM_001370459.1); c.1844A>G, p.Asn615Ser (NM_172105.4); short protein forms N561S, N567S, N592S, N615S, N621S.
Identifiers: ClinVar variation 3223696 (VCV003223696.1), dbSNP rs2535562308, ClinGen allele CA365702739.